The following is an entry in ClinVar:

ClinVar aggregate classification (germline): Uncertain significance (1 of 4 stars; one submission).

Allele frequency attached by ClinVar (database versions not stated): TOPMed below 0.00001; gnomAD exomes 0.00001.

Submission:

Labcorp Genetics (formerly Invitae), Labcorp
Classification: Uncertain significance. Last evaluated: 2022-08-19. Review status: criteria provided, single submitter. Criteria: Invitae Variant Classification Sherloc (09022015). Collection method: clinical testing. Allele origin: germline.
Comment: This variant is not present in population databases (gnomAD no frequency). This sequence change replaces isoleucine, which is neutral and non-polar, with methionine, which is neutral and non-polar, at codon 228 of the NEK2 protein (p.Ile228Met). This variant has not been reported in the literature in individuals affected with NEK2-related conditions. Algorithms developed to predict the effect of missense changes on protein structure and function are either unavailable or do not agree on the potential impact of this missense change (SIFT: "Deleterious"; PolyPhen-2: "Probably Damaging"; Align-GVGD: "Class C0"). In summary, the available evidence is currently insufficient to determine the role of this variant in disease. Therefore, it has been classified as a Variant of Uncertain Significance.

NM_002497.4(NEK2):c.684C>G (p.Ile228Met)

Gene: NEK2 (NIMA related kinase 2; minus strand). Cytogenetic location: 1q32.3.
Variant type: single nucleotide variant.
Coding change: c.684C>G on transcript NM_002497.4 (MANE Select); coding-DNA position 684, C replaced by G.
Protein change: p.Ile228Met; replaces isoleucine 228 with methionine.
Molecular consequence: missense variant.
Genome position (GRCh38, 1-based): chr1:211,670,362, G>C on the plus strand (C>G on the coding strand, the complement: NEK2 is on the minus strand). VCF-style: chr1-211670362-G-C. GRCh37 (hg19) VCF-style: chr1-211843704-G-C.
Other names: c.684C>G, p.Ile228Met (NM_001204182.2, NM_001204183.2); short protein forms I228M.
Identifiers: ClinVar variation 1717002 (VCV001717002.5), dbSNP rs545302925, ClinGen allele CA36823469.